The following is an entry in ClinVar:

NM_004287.5(GOSR2):c.298C>A (p.Gln100Lys)

Genes: GOSR2 (golgi SNAP receptor complex member 2; plus strand), LRRC37A2 (leucine rich repeat containing 37 member A2), LOC126862578 (BRD4-independent group 4 enhancer GRCh37_chr17:45008344-45009543; plus strand). Cytogenetic location: 17q21.32.
Variant type: single nucleotide variant.
Coding change: c.298C>A on transcript NM_004287.5 (MANE Select); coding-DNA position 298, C replaced by A.
Protein change: p.Gln100Lys; replaces glutamine 100 with lysine.
Molecular consequence: missense variant. On other transcripts: non-coding transcript variant (3).
Genome position (GRCh38, 1-based): chr17:46,932,161, C>A. VCF-style: chr17-46932161-C-A. GRCh37 (hg19) VCF-style: chr17-45009527-C-A.
Other names: c.295C>A, p.Gln99Lys (NM_001353115.2, NM_001353116.2, NM_001353114.2); c.244C>A, p.Gln82Lys (NM_001363851.2, NM_001321134.2); c.298C>A, p.Gln100Lys (NM_054022.4, NM_001012511.3, NM_001321133.2 and 1 more transcripts); short protein forms Q100K, Q82K, Q99K.
Identifiers: ClinVar variation 1506963 (VCV001506963.6), dbSNP rs759305157, ClinGen allele CA400017055.

ClinVar aggregate classification (germline): Uncertain significance (1 of 4 stars; one submission).

Conditions:
Progressive myoclonic epilepsy. Also called: Familial progressive myoclonic epilepsy; Myoclonus epilepsy; Progressive myoclonus epilepsy; Myoclonic Epilepsies, Progressive. Identifiers: Orphanet 308, Orphanet 98261, MedGen C0751778, MONDO:0020074.

Submission:

Labcorp Genetics (formerly Invitae), Labcorp
Classification: Uncertain significance for Progressive myoclonic epilepsy. Last evaluated: 2021-09-23. Review status: criteria provided, single submitter. Criteria: Invitae Variant Classification Sherloc (09022015). Collection method: clinical testing. Allele origin: germline.
Comment: This sequence change replaces glutamine with lysine at codon 100 of the GOSR2 protein (p.Gln100Lys). The glutamine residue is moderately conserved and there is a small physicochemical difference between glutamine and lysine. This variant is not present in population databases (ExAC no frequency). This variant has not been reported in the literature in individuals affected with GOSR2-related conditions. Algorithms developed to predict the effect of missense changes on protein structure and function are either unavailable or do not agree on the potential impact of this missense change (SIFT: "Deleterious"; PolyPhen-2: "Benign"; Align-GVGD: "Class C15"). In summary, the available evidence is currently insufficient to determine the role of this variant in disease. Therefore, it has been classified as a Variant of Uncertain Significance.